The following is an entry in ClinVar:

ClinVar aggregate classification (germline): Uncertain significance (1 of 4 stars; one submission).

Allele frequency attached by ClinVar (database versions not stated): ExAC 0.00001; gnomAD 0.00001; gnomAD exomes 0.00001; TOPMed 0.00001.

Submission:

Labcorp Genetics (formerly Invitae), Labcorp
Classification: Uncertain significance. Last evaluated: 2025-01-23. Review status: criteria provided, single submitter. Criteria: Invitae Variant Classification Sherloc (09022015). Collection method: clinical testing. Allele origin: germline.
Comment: This sequence change replaces arginine, which is basic and polar, with histidine, which is basic and polar, at codon 405 of the PPP2R5D protein (p.Arg405His). This variant is present in population databases (rs757857436, gnomAD 0.006%). This variant has not been reported in the literature in individuals affected with PPP2R5D-related conditions. ClinVar contains an entry for this variant (Variation ID: 1917612). An algorithm developed to predict the effect of missense changes on protein structure and function (PolyPhen-2) suggests that this variant¬†is likely to be tolerated. In summary, the available evidence is currently insufficient to determine the role of this variant in disease. Therefore, it has been classified as a Variant of Uncertain Significance.

NM_006245.4(PPP2R5D):c.1214G>A (p.Arg405His)

Gene: PPP2R5D (protein phosphatase 2 regulatory subunit B'delta; plus strand). Cytogenetic location: 6p21.1.
Variant type: single nucleotide variant.
Coding change: c.1214G>A on transcript NM_006245.4 (MANE Select); coding-DNA position 1214, G replaced by A.
Protein change: p.Arg405His; replaces arginine 405 with histidine.
Molecular consequence: missense variant.
Genome position (GRCh38, 1-based): chr6:43,009,190, G>A. VCF-style: chr6-43009190-G-A. GRCh37 (hg19) VCF-style: chr6-42976928-G-A.
Other names: c.761G>A, p.Arg254His (NM_001270476.2); c.1118G>A, p.Arg373His (NM_180976.3); c.896G>A, p.Arg299His (NM_180977.3); short protein forms R254H, R373H, R299H, R405H.
Identifiers: ClinVar variation 1917612 (VCV001917612.4), dbSNP rs757857436, ClinGen allele CA3812007.